The following is an entry in ClinVar:

NM_018671.5(UNC45A):c.397C>T (p.Arg133Trp)

Gene: UNC45A (unc-45 myosin chaperone A; plus strand). Cytogenetic location: 15q26.1.
Variant type: single nucleotide variant.
Coding change: c.397C>T on transcript NM_018671.5 (MANE Select); coding-DNA position 397, C replaced by T.
Protein change: p.Arg133Trp; replaces arginine 133 with tryptophan.
Molecular consequence: missense variant. On other transcripts: 5 prime UTR variant (1).
Genome position (GRCh38, 1-based): chr15:90,936,431, C>T. VCF-style: chr15-90936431-C-T. GRCh37 (hg19) VCF-style: chr15-91479661-C-T.
Other names: c.352C>T, p.Arg118Trp (NM_001039675.2, NM_001323621.2); c.397C>T, p.Arg133Trp (NM_001323619.1); c.-39C>T (NM_001323620.2); c.397C>T (NM_018671.3); short protein forms R118W, R133W.
Identifiers: ClinVar variation 1493428 (VCV001493428.5), dbSNP rs549730654, ClinGen allele CA7742513.

ClinVar aggregate classification (germline): Uncertain significance. Review status: criteria provided, multiple submitters, no conflicts (2 of 4 stars). 2 submissions from 2 submitters: Uncertain significance (2). Last evaluated 2025-11-24.

Conditions:
Inborn genetic diseases. Identifiers: MedGen C0950123, MeSH D030342.

Allele frequency attached by ClinVar (database versions not stated): ExAC 0.00002; gnomAD exomes 0.00004.

Submissions (2):

Ambry Genetics
Classification: Uncertain significance for Inborn genetic diseases. Last evaluated: 2025-11-24. Review status: criteria provided, single submitter. Criteria: Ambry Variant Classification Scheme 2023. Collection method: clinical testing. Allele origin: germline.

Labcorp Genetics (formerly Invitae), Labcorp
Classification: Uncertain significance. Last evaluated: 2024-09-05. Review status: criteria provided, single submitter. Criteria: Invitae Variant Classification Sherloc (09022015). Collection method: clinical testing. Allele origin: germline.
Comment: This sequence change replaces arginine, which is basic and polar, with tryptophan, which is neutral and slightly polar, at codon 133 of the UNC45A protein (p.Arg133Trp). This variant is present in population databases (rs549730654, gnomAD 0.009%). This variant has not been reported in the literature in individuals affected with UNC45A-related conditions. ClinVar contains an entry for this variant (Variation ID: 1493428). Invitae Evidence Modeling of protein sequence and biophysical properties (such as structural, functional, and spatial information, amino acid conservation, physicochemical variation, residue mobility, and thermodynamic stability) indicates that this missense variant is expected to disrupt UNC45A protein function with a positive predictive value of 80%. In summary, the available evidence is currently insufficient to determine the role of this variant in disease. Therefore, it has been classified as a Variant of Uncertain Significance.